The following is an entry in ClinVar:

NM_153212.3(GJB4):c.411C>G (p.Phe137Leu)

Gene: GJB4 (gap junction protein beta 4; plus strand). Cytogenetic location: 1p34.3.
Variant type: single nucleotide variant.
Coding change: c.411C>G on transcript NM_153212.3 (MANE Select); coding-DNA position 411, C replaced by G.
Protein change: p.Phe137Leu; replaces phenylalanine 137 with leucine.
Molecular consequence: missense variant.
Genome position (GRCh38, 1-based): chr1:34,761,665, C>G. VCF-style: chr1-34761665-C-G. GRCh37 (hg19) VCF-style: chr1-35227266-C-G.
Other names: short protein forms F137L.
Identifiers: ClinVar variation 4822944 (VCV004822944.5).

ClinVar aggregate classification (germline): Pathogenic/Likely pathogenic. Review status: criteria provided, multiple submitters, no conflicts (2 of 4 stars). 2 submissions from 2 submitters: Pathogenic (1); Likely pathogenic (1). Last evaluated 2026-01-01.

Conditions:
GJB4-related disorder. Also called: GJB4-related condition.

Submissions (2):

CeGaT Center for Human Genetics Tuebingen
Classification: Likely pathogenic. Last evaluated: 2026-01-01. Review status: criteria provided, single submitter. Criteria: CeGaT Center For Human Genetics Tuebingen Variant Classification Criteria Version 2. Collection method: clinical testing. Allele origin: germline. Affected: yes. Observed: 1 variant allele.
Comment: GJB4: PS1, PM2, PM1:Supporting, PP4

Blueprint Genetics
Classification: Pathogenic for GJB4-related disorders. Last evaluated: 2024-07-04. Review status: criteria provided, single submitter. Criteria: ACMG Guidelines, 2015. Collection method: clinical testing. Allele origin: germline. Affected: yes. Observed: 1 variant allele.